The following is an entry in ClinVar:

NM_017649.5(CNNM2):c.88C>T (p.Arg30Cys)

Gene: CNNM2 (cyclin and CBS domain divalent metal cation transport mediator 2; plus strand). Cytogenetic location: 10q24.32.
Variant type: single nucleotide variant.
Coding change: c.88C>T on transcript NM_017649.5 (MANE Select); coding-DNA position 88, C replaced by T.
Protein change: p.Arg30Cys; replaces arginine 30 with cysteine.
Molecular consequence: missense variant.
Genome position (GRCh38, 1-based): chr10:102,918,568, C>T. VCF-style: chr10-102918568-C-T. GRCh37 (hg19) VCF-style: chr10-104678325-C-T.
Other names: c.88C>T (NM_017649.3); c.88C>T, p.Arg30Cys (NM_199076.3, NM_199077.3); short protein forms R30C.
Identifiers: ClinVar variation 2178214 (VCV002178214.6), dbSNP rs540558653, ClinGen allele CA5670215.

ClinVar aggregate classification (germline): Uncertain significance. Review status: criteria provided, multiple submitters, no conflicts (2 of 4 stars). 3 submissions from 3 submitters: Uncertain significance (3). Last evaluated 2025-06-12.

Conditions:
Inborn genetic diseases. Identifiers: MedGen C0950123, MeSH D030342.
Hypomagnesemia, seizures, and impaired intellectual development 1. Also called: Hypomagnesemia, seizures, and intellectual disability 1. Identifiers: Orphanet 34527, MedGen C4225333, MONDO:0020787, OMIM 616418.
Renal hypomagnesemia 6. Identifiers: Orphanet 34527, MedGen C3151295, MONDO:0013480, OMIM 613882.

Allele frequency attached by ClinVar (database versions not stated): ExAC 0.00002; 1000 Genomes Project 30x 0.00016; gnomAD 0.00019; TOPMed 0.00022; 1000 Genomes Project 0.00040.
gnomAD v4.1: 49 of 1,584,730 alleles (0.0031%); highest among the groups gnomAD compares: African/African-American, 0.053%; no homozygotes.

Submissions (3):

Labcorp Genetics (formerly Invitae), Labcorp
Classification: Uncertain significance. Last evaluated: 2025-06-12. Review status: criteria provided, single submitter. Criteria: Invitae Variant Classification Sherloc (09022015). Collection method: clinical testing. Allele origin: germline.
Comment: This sequence change replaces arginine, which is basic and polar, with cysteine, which is neutral and slightly polar, at codon 30 of the CNNM2 protein (p.Arg30Cys). This variant is present in population databases (rs540558653, gnomAD 0.04%). This variant has not been reported in the literature in individuals affected with CNNM2-related conditions. ClinVar contains an entry for this variant (Variation ID: 2178214). An algorithm developed to predict the effect of missense changes on protein structure and function (PolyPhen-2) suggests that this variant is likely to be disruptive. In summary, the available evidence is currently insufficient to determine the role of this variant in disease. Therefore, it has been classified as a Variant of Uncertain Significance.

Fulgent Genetics
Classification: Uncertain significance for Renal hypomagnesemia 6; Hypomagnesemia, seizures, and impaired intellectual development 1. Last evaluated: 2024-06-06. Review status: criteria provided, single submitter. Criteria: ACMG Guidelines, 2015. Collection method: clinical testing. Allele origin: germline.

Ambry Genetics
Classification: Uncertain significance for Inborn genetic diseases. Last evaluated: 2024-03-19. Review status: criteria provided, single submitter. Criteria: Ambry Variant Classification Scheme 2023. Collection method: clinical testing. Allele origin: germline.